The following is an entry in ClinVar:

NM_005732.4(RAD50):c.1535C>G (p.Ala512Gly)

Gene: RAD50 (RAD50 double strand break repair protein; plus strand). Cytogenetic location: 5q31.1.
Variant type: single nucleotide variant.
Coding change: c.1535C>G on transcript NM_005732.4 (MANE Select); coding-DNA position 1535, C replaced by G.
Protein change: p.Ala512Gly; replaces alanine 512 with glycine.
Molecular consequence: missense variant.
Genome position (GRCh38, 1-based): chr5:132,591,306, C>G. VCF-style: chr5-132591306-C-G. GRCh37 (hg19) VCF-style: chr5-131926998-C-G.
Other names: short protein forms A512G.
Identifiers: ClinVar variation 578058 (VCV000578058.13), dbSNP rs1561640698, ClinGen allele CA360945757.

ClinVar aggregate classification (germline): Uncertain significance. Review status: criteria provided, multiple submitters, no conflicts (2 of 4 stars). 2 submissions from 2 submitters: Uncertain significance (2). Last evaluated 2023-12-29.

Conditions:
Hereditary cancer-predisposing syndrome. Also called: Tumor predisposition; Hereditary neoplastic syndrome; Hereditary Cancer Syndrome; Neoplastic Syndromes, Hereditary. Identifiers: Orphanet 140162, MedGen C0027672, MeSH D009386, MONDO:0015356.

Submissions (2):

Ambry Genetics
Classification: Uncertain significance for Hereditary cancer-predisposing syndrome. Last evaluated: 2023-12-29. Review status: criteria provided, single submitter. Criteria: Ambry Variant Classification Scheme 2023. Collection method: clinical testing. Allele origin: germline.
Comment: The p.A512G variant (also known as c.1535C>G), located in coding exon 10 of the RAD50 gene, results from a C to G substitution at nucleotide position 1535. The alanine at codon 512 is replaced by glycine, an amino acid with similar properties. This amino acid position is poorly conserved in available vertebrate species. In addition, this alteration is predicted to be tolerated by in silico analysis. Since supporting evidence is limited at this time, the clinical significance of this alteration remains unclear.

Labcorp Genetics (formerly Invitae), Labcorp
Classification: Uncertain significance for Hereditary cancer-predisposing syndrome. Last evaluated: 2022-09-29. Review status: criteria provided, single submitter. Criteria: Invitae Variant Classification Sherloc (09022015). Collection method: clinical testing. Allele origin: germline.
Comment: This sequence change replaces alanine, which is neutral and non-polar, with glycine, which is neutral and non-polar, at codon 512 of the RAD50 protein (p.Ala512Gly). This variant is not present in population databases (gnomAD no frequency). This variant has not been reported in the literature in individuals affected with RAD50-related conditions. ClinVar contains an entry for this variant (Variation ID: 578058). Advanced modeling of protein sequence and biophysical properties (such as structural, functional, and spatial information, amino acid conservation, physicochemical variation, residue mobility, and thermodynamic stability) performed at Invitae indicates that this missense variant is not expected to disrupt RAD50 protein function. In summary, the available evidence is currently insufficient to determine the role of this variant in disease. Therefore, it has been classified as a Variant of Uncertain Significance.